The following is an entry in ClinVar:

ClinVar aggregate classification (germline): Uncertain significance (1 of 4 stars; one submission).

Conditions:
Familial cancer of breast. Also called: Hereditary breast cancer; BREAST CANCER, FAMILIAL; hereditary breast carcinoma. Identifiers: Orphanet 227535, MedGen C0346153, MONDO:0016419, OMIM 114480. Disease mechanism: loss of function.
Fanconi anemia complementation group J. Also called: BRIP1-Related Fanconi Anemia. Identifiers: Orphanet 84, MedGen C1836860, MONDO:0012187, OMIM 609054.

Submission:

Labcorp Genetics (formerly Invitae), Labcorp
Classification: Uncertain significance for Familial cancer of breast; Fanconi anemia complementation group J. Last evaluated: 2024-09-15. Review status: criteria provided, single submitter. Criteria: Invitae Variant Classification Sherloc (09022015). Collection method: clinical testing. Allele origin: germline.
Comment: This sequence change replaces tryptophan, which is neutral and slightly polar, with cysteine, which is neutral and slightly polar, at codon 5 of the BRIP1 protein (p.Trp5Cys). This variant is not present in population databases (gnomAD no frequency). This variant has not been reported in the literature in individuals affected with BRIP1-related conditions. Invitae Evidence Modeling of protein sequence and biophysical properties (such as structural, functional, and spatial information, amino acid conservation, physicochemical variation, residue mobility, and thermodynamic stability) indicates that this missense variant is not expected to disrupt BRIP1 protein function with a negative predictive value of 80%. In summary, the available evidence is currently insufficient to determine the role of this variant in disease. Therefore, it has been classified as a Variant of Uncertain Significance.

NM_032043.3(BRIP1):c.15G>T (p.Trp5Cys)

Gene: BRIP1 (BRCA1 interacting DNA helicase 1; minus strand). Cytogenetic location: 17q23.2.
Variant type: single nucleotide variant.
Coding change: c.15G>T on transcript NM_032043.3 (MANE Select); coding-DNA position 15, G replaced by T.
Protein change: p.Trp5Cys; replaces tryptophan 5 with cysteine.
Molecular consequence: missense variant.
Genome position (GRCh38, 1-based): chr17:61,861,525, C>A on the plus strand (G>T on the coding strand, the complement: BRIP1 is on the minus strand). VCF-style: chr17-61861525-C-A. GRCh37 (hg19) VCF-style: chr17-59938886-C-A.
Other names: short protein forms W5C.
Identifiers: ClinVar variation 3749540 (VCV003749540.2).
Genomic context (GRCh38, chr17:61,861,525, plus strand): 5'-CTGTGACGGGTAAGCTTTATAAGGAAAGTAAATCTTCACCCCACCAATTGTATATTCAGA[C>A]CACATTGAAGACATAGTGCTTTCCTGTTTATTTCAGATTCCTAACTACAACAGAAATGAA-3'
Protein context (NP_114432.2, residues 1-15): MSSM[Trp5Cys]SEYTIGGVKI